The following is an entry in ClinVar:

ClinVar aggregate classification (germline): Likely benign. Review status: criteria provided, multiple submitters, no conflicts (2 of 4 stars). 2 submissions from 2 submitters: Likely benign (2). Last evaluated 2026-01-04.

Allele frequency attached by ClinVar (database versions not stated): ExAC 0.00015; TOPMed 0.00027; gnomAD 0.00033; gnomAD exomes 0.00045; ESP Exome Variant Server 0.00046.
gnomAD v4.1: 708 of 1,613,872 alleles (0.044%); highest among the groups gnomAD compares: Non-Finnish European, 0.057%; 3 homozygotes.

Submissions (2):

Labcorp Genetics (formerly Invitae), Labcorp
Classification: Likely benign. Last evaluated: 2026-01-04. Review status: criteria provided, single submitter. Criteria: Invitae Variant Classification Sherloc (09022015). Collection method: clinical testing. Allele origin: germline.

CeGaT Center for Human Genetics Tuebingen
Classification: Likely benign. Last evaluated: 2024-07-01. Review status: criteria provided, single submitter. Criteria: CeGaT Center For Human Genetics Tuebingen Variant Classification Criteria Version 2. Collection method: clinical testing. Allele origin: germline. Affected: yes. Observed: 2 variant alleles.
Comment: PGAP3: BP4, BP7

NM_033419.5(PGAP3):c.684C>T (p.Asn228=)

Gene: PGAP3 (post-GPI attachment to proteins phospholipase 3; minus strand). Cytogenetic location: 17q12.
Variant type: single nucleotide variant.
Coding change: c.684C>T on transcript NM_033419.5 (MANE Select); coding-DNA position 684, C replaced by T.
Protein change: p.Asn228=; no amino-acid change (asparagine 228 retained).
Molecular consequence: synonymous variant. On other transcripts: intron variant (3).
Genome position (GRCh38, 1-based): chr17:39,673,524, G>A on the plus strand (C>T on the coding strand, the complement: PGAP3 is on the minus strand). VCF-style: chr17-39673524-G-A. GRCh37 (hg19) VCF-style: chr17-37829777-G-A.
Other names: c.531C>T, p.Asn177= (NM_001291726.2); c.621C>T, p.Asn207= (NM_001291728.2); c.433-658C>T (NM_001291733.2); c.494+469C>T (NM_001291732.2); c.557+469C>T (NM_001291730.2).
Identifiers: ClinVar variation 2157205 (VCV002157205.24), dbSNP rs201418195, ClinGen allele CA8533275.
Genomic context (GRCh38, chr17:39,673,524, plus strand): 5'-CACCCCAAGCTAGCACTTCTGCAGATGGCCCAAGCCCCCCAGGGCCTCACCAATAGCCAC[G>A]TTGGCCACCAGGTTGTAGCCATAGTCGAAGCGGATGAGGCTCAGGTAGGAGACGTGCACG-3'
Protein context (NP_219487.3, residues 218-238): RFDYGYNLVA[Asn228=]VAIGLVNVVW